The following is an entry in ClinVar:

NM_006214.4(PHYH):c.679-1dup

Gene: PHYH (phytanoyl-CoA 2-hydroxylase; minus strand). Cytogenetic location: 10p13.
Variant type: Duplication.
Coding change: c.679-1dup on transcript NM_006214.4 (MANE Select); the canonical splice acceptor site of the intron before coding-DNA position 679, one base duplicated (G; older notation c.679-1dupG).
Molecular consequence: splice acceptor variant.
Genome position (GRCh38, 1-based): chr10:13,283,835, C duplicated on the plus strand (G on the coding strand, the reverse complement: PHYH is on the minus strand); the first of 6 consecutive C bases (chr10:13,283,835-13,283,840); duplicating any one gives the same sequence. VCF-style (leftmost placement, unchanged base first): chr10-13283834-T-TC. GRCh37 (hg19) VCF-style: chr10-13325834-T-TC.
Other names: c.415-1dup (NM_001323083.2); c.685-1dup (NM_001323082.2); c.379-1dup (NM_001037537.2, NM_001323080.2); c.385-1dup (NM_001323084.2); c.683dup (NM_006214.4); c.683dupG (NM_006214.3).
Identifiers: ClinVar variation 1404181 (VCV001404181.10), dbSNP rs767403321, ClinGen allele CA5412256.

ClinVar aggregate classification (germline): Pathogenic. Review status: criteria provided, multiple submitters, no conflicts (2 of 4 stars). 6 submissions from 6 submitters: Pathogenic (5). 1 of the submissions does not count toward it. Last evaluated 2025-09-02.

Conditions:
Retinal dystrophy. Also called: Inherited retinal dystrophy. Identifiers: Orphanet 71862, MedGen C0854723, MeSH D058499, MONDO:0019118, HP:0000556.
PHYH-related disorder. Also called: PHYH-related condition.
Refsum disease, classic. Also called: PHYH-Related Refsum Disease; HEREDOPATHIA ATACTICA POLYNEURITIFORMIS; HMSN IV; PHYTANIC ACID OXIDASE DEFICIENCY. Identifiers: Orphanet 773, MedGen C5780941, MONDO:1060256, OMIM 266500. Disease mechanism: loss of function.

Submissions (6):

PreventionGenetics, part of Exact Sciences
Classification: Pathogenic for PHYH-related condition. Last evaluated: 2025-09-02. Review status: criteria provided, single submitter. Criteria: ACMG Guidelines, 2015. Collection method: clinical testing. Allele origin: germline.
Comment: The PHYH c.683dupG variant is predicted to result in a frameshift and premature protein termination (p.Val229Serfs*2). This variant has been reported in individuals with Refsum disease (Jansen et al. 2004. PubMed ID: 14974078; Castro-Miro et al. 2016. PubMed ID: 28005958; Supplementary Table 1, Schlottmann et al. 2023. PubMed ID: 37217489). This variant is reported in 0.0054% of alleles in individuals of East Asian descent in gnomAD. Frameshift variants in PHYH are expected to be pathogenic. This variant is interpreted as pathogenic.

Myriad Genetics, Inc.
Classification: Pathogenic for Refsum disease, classic. Last evaluated: 2025-08-19. Review status: criteria provided, single submitter. Criteria: Myriad Autosomal Dominant, Autosomal Recessive and X-Linked Classification Criteria (2023). Collection method: clinical testing. Allele origin: unknown.
Comment: NM_006214.3(PHYH):c.683dupG(V229Sfs*2) is a frameshift variant classified as pathogenic in the context of Refsum disease, PHYH-related. V229Sfs*2 has been observed in a case with relevant disease (PMID: 26762237). Relevant functional assessments of this variant are not available in the literature. V229Sfs*2 has been observed in referenced population frequency databases. In summary, NM_006214.3(PHYH):c.683dupG(V229Sfs*2) is a frameshift variant in a gene where loss of function is a known mechanism of disease, is predicted to disrupt protein function, and has been observed more frequently in cases with the relevant disease than in healthy populations. Please note: this variant was assessed in the context of healthy population screening.

Blueprint Genetics
Classification: Pathogenic for PHYH-related disorders. Last evaluated: 2024-06-14. Review status: criteria provided, single submitter. Criteria: ACMG Guidelines, 2015. Collection method: clinical testing. Allele origin: germline. Affected: yes. Observed: 5 variant alleles.

Baylor Genetics
Classification: Pathogenic for Refsum disease, classic. Last evaluated: 2024-02-27. Review status: criteria provided, single submitter. Criteria: ACMG Guidelines, 2015. Collection method: clinical testing. Allele origin: unknown.

Labcorp Genetics (formerly Invitae), Labcorp
Classification: Pathogenic. Last evaluated: 2023-12-29. Review status: criteria provided, single submitter. Criteria: Invitae Variant Classification Sherloc (09022015). Collection method: clinical testing. Allele origin: germline.
Comment: This sequence change creates a premature translational stop signal (p.Val229Serfs*2) in the PHYH gene. It is expected to result in an absent or disrupted protein product. Loss-of-function variants in PHYH are known to be pathogenic (PMID: 9326940, 14974078). This variant is present in population databases (rs767403321, gnomAD 0.006%). This premature translational stop signal has been observed in individual(s) with Refsum disease (PMID: 14974078). ClinVar contains an entry for this variant (Variation ID: 1404181). For these reasons, this variant has been classified as Pathogenic.

Institute of Human Genetics, Univ. Regensburg, Univ. Regensburg
Classification: Pathogenic for Retinal dystrophy. Last evaluated: 2021-01-01. Review status: no assertion criteria provided. Criteria: ACMG Guidelines, 2015. Collection method: clinical testing. Allele origin: germline. Affected: yes. Not counted in ClinVar's aggregate classification.

Literature cited by the submitters: PubMed 26762237 (cited by Myriad Genetics, Inc.); PubMed 9326940 (cited by Labcorp Genetics (formerly Invitae), Labcorp); PubMed 14974078 (cited by Labcorp Genetics (formerly Invitae), Labcorp).